The following is an entry in ClinVar:

ClinVar aggregate classification (germline): Uncertain significance (1 of 4 stars; one submission).

Submission:

GeneDx
Classification: Uncertain significance. Last evaluated: 2026-02-07. Review status: criteria provided, single submitter. Criteria: GeneDx Variant Classification Process June 2021. Collection method: clinical testing. Allele origin: germline.
Comment: Not observed at significant frequency in large population cohorts (gnomAD); In silico analysis suggests that this missense variant does not alter protein structure/function; Has not been previously published as pathogenic or benign to our knowledge

NM_032436.4(CHAMP1):c.673C>T (p.Pro225Ser)

Gene: CHAMP1 (chromosome alignment maintaining phosphoprotein 1; plus strand). Cytogenetic location: 13q34.
Variant type: single nucleotide variant.
Coding change: c.673C>T on transcript NM_032436.4 (MANE Select); coding-DNA position 673, C replaced by T.
Protein change: p.Pro225Ser; replaces proline 225 with serine.
Molecular consequence: missense variant.
Genome position (GRCh38, 1-based): chr13:114,324,515, C>T. VCF-style: chr13-114324515-C-T. GRCh37 (hg19) VCF-style: chr13-115089990-C-T.
Other names: c.673C>T, p.Pro225Ser (NM_001164144.3, NM_001164145.3); short protein forms P225S.
Identifiers: ClinVar variation 4976368 (VCV004976368.1).